The following is an entry in ClinVar:

NM_001142800.2(EYS):c.5962A>G (p.Ile1988Val)

Gene: EYS (eyes shut homolog; minus strand). Cytogenetic location: 6q12.
Variant type: single nucleotide variant.
Coding change: c.5962A>G on transcript NM_001142800.2 (MANE Select); coding-DNA position 5962, A replaced by G.
Protein change: p.Ile1988Val; replaces isoleucine 1988 with valine.
Molecular consequence: missense variant.
Genome position (GRCh38, 1-based): chr6:64,388,806, T>C on the plus strand (A>G on the coding strand, the complement: EYS is on the minus strand). VCF-style: chr6-64388806-T-C. GRCh37 (hg19) VCF-style: chr6-65098699-T-C.
Other names: c.5962A>G, p.Ile1988Val (NM_001292009.2); short protein forms I1988V.
Identifiers: ClinVar variation 1446634 (VCV001446634.3), dbSNP rs1561965262, ClinGen allele CA364392181.
Genomic context (GRCh38, chr6:64,388,806, plus strand): 5'-GCAGGGGTTTTCCGAGTACATGATTGATAGATTCGCATATTTGTGTATTCCTCCCTAAAA[T>C]AGTCAGCTCAGCGTTACATGGATCCAATTCTTGCCTGTAACCATTTAAGAAAGAAATGGT-3'
Protein context (NP_001136272.1, residues 1978-1998): ELDPCNAELT[Ile1988Val]LGRNTQICES

ClinVar aggregate classification (germline): Uncertain significance (1 of 4 stars; one submission).

Allele frequency attached by ClinVar (database versions not stated): gnomAD exomes 0.00001; TOPMed 0.00001.
gnomAD v4.1: 4 of 1,542,374 alleles (0.00026%); highest among the groups gnomAD compares: Admixed American, 0.002%; no homozygotes.

Submission:

Labcorp Genetics (formerly Invitae), Labcorp
Classification: Uncertain significance. Last evaluated: 2021-09-04. Review status: criteria provided, single submitter. Criteria: Invitae Variant Classification Sherloc (09022015). Collection method: clinical testing. Allele origin: germline.
Comment: This sequence change replaces isoleucine with valine at codon 1988 of the EYS protein (p.Ile1988Val). The isoleucine residue is moderately conserved and there is a small physicochemical difference between isoleucine and valine. This variant is not present in population databases (ExAC no frequency). This variant has not been reported in the literature in individuals affected with EYS-related conditions. Algorithms developed to predict the effect of missense changes on protein structure and function output the following: SIFT: "Tolerated"; PolyPhen-2: "Benign"; Align-GVGD: "Class C0". The valine amino acid residue is found in multiple mammalian species, which suggests that this missense change does not adversely affect protein function. In summary, the available evidence is currently insufficient to determine the role of this variant in disease. Therefore, it has been classified as a Variant of Uncertain Significance.